The following is an entry in ClinVar:

NM_001375524.1(TRRAP):c.9847+4C>T

Gene: TRRAP (transformation/transcription domain associated protein; plus strand). Cytogenetic location: 7q22.1.
Variant type: single nucleotide variant.
Coding change: c.9847+4C>T on transcript NM_001375524.1 (MANE Select); 4 bases into the intron after coding-DNA position 9847, C replaced by T.
Molecular consequence: intron variant.
Genome position (GRCh38, 1-based): chr7:98,992,231, C>T. VCF-style: chr7-98992231-C-T. GRCh37 (hg19) VCF-style: chr7-98589854-C-T.
Other names: c.9859+4C>T (NM_001244580.2); c.9772+4C>T (NM_003496.4).
Identifiers: ClinVar variation 2167807 (VCV002167807.4), dbSNP rs370758179, ClinGen allele CA4361810.

ClinVar aggregate classification (germline): Uncertain significance (1 of 4 stars; one submission).

Allele frequency attached by ClinVar (database versions not stated): ExAC 0.00009; gnomAD 0.00015; 1000 Genomes Project 30x 0.00016; TOPMed 0.00017; 1000 Genomes Project 0.00020; ESP Exome Variant Server 0.00023.
gnomAD v4.1: 99 of 1,613,900 alleles (0.0061%); highest among the groups gnomAD compares: African/African-American, 0.053%; 1 homozygote.

Submission:

Labcorp Genetics (formerly Invitae), Labcorp
Classification: Uncertain significance. Last evaluated: 2025-03-15. Review status: criteria provided, single submitter. Criteria: Invitae Variant Classification Sherloc (09022015). Collection method: clinical testing. Allele origin: germline.
Comment: This sequence change falls in intron 63 of the TRRAP gene. It does not directly change the encoded amino acid sequence of the TRRAP protein. It affects a nucleotide within the consensus splice site. This variant is present in population databases (rs370758179, gnomAD 0.06%), and has an allele count higher than expected for a pathogenic variant. This variant has not been reported in the literature in individuals affected with TRRAP-related conditions. ClinVar contains an entry for this variant (Variation ID: 2167807). Variants that disrupt the consensus splice site are a relatively common cause of aberrant splicing (PMID: 17576681, 9536098). Algorithms developed to predict the effect of sequence changes on RNA splicing suggest that this variant is not likely to affect RNA splicing. In summary, the available evidence is currently insufficient to determine the role of this variant in disease. Therefore, it has been classified as a Variant of Uncertain Significance.

Literature cited by the submitters: PubMed 17576681; PubMed 9536098.